The following is an entry in ClinVar:

ClinVar aggregate classification (germline): Uncertain significance (1 of 4 stars; one submission).

Conditions:
PRPH2-related disorder. Also called: PRPH2-related disorders; PRPH2-related condition. Identifiers: MedGen CN239395.

Submission:

Labcorp Genetics (formerly Invitae), Labcorp
Classification: Uncertain significance for PRPH2-related disorder. Last evaluated: 2024-12-24. Review status: criteria provided, single submitter. Criteria: Invitae Variant Classification Sherloc (09022015). Collection method: clinical testing. Allele origin: germline.
Comment: This sequence change affects codon 329 of the PRPH2 mRNA. It is a 'silent' change, meaning that it does not change the encoded amino acid sequence of the PRPH2 protein. This variant is not present in population databases (gnomAD no frequency). This variant has not been reported in the literature in individuals affected with PRPH2-related conditions. Algorithms developed to predict the effect of sequence changes on RNA splicing suggest that this variant may create or strengthen a splice site. In summary, the available evidence is currently insufficient to determine the role of this variant in disease. Therefore, it has been classified as a Variant of Uncertain Significance.

NM_000322.5(PRPH2):c.987C>T (p.Gly329=)

Gene: PRPH2 (peripherin 2; minus strand). Cytogenetic location: 6p21.1.
Variant type: single nucleotide variant.
Coding change: c.987C>T on transcript NM_000322.5 (MANE Select); coding-DNA position 987, C replaced by T.
Protein change: p.Gly329=; no amino-acid change (glycine 329 retained).
Molecular consequence: synonymous variant.
Genome position (GRCh38, 1-based): chr6:42,698,349, G>A on the plus strand (C>T on the coding strand, the complement: PRPH2 is on the minus strand). VCF-style: chr6-42698349-G-A. GRCh37 (hg19) VCF-style: chr6-42666087-G-A.
Identifiers: ClinVar variation 3727917 (VCV003727917.2).